The following is an entry in ClinVar:

ClinVar aggregate classification (germline): Uncertain significance. Review status: criteria provided, multiple submitters, no conflicts (2 of 4 stars). 2 submissions from 2 submitters: Uncertain significance (2). Last evaluated 2026-02-16.

Conditions:
Hereditary cancer-predisposing syndrome. Also called: Neoplastic Syndromes, Hereditary; Tumor predisposition; Hereditary Cancer Syndrome; Hereditary neoplastic syndrome. Identifiers: Orphanet 140162, MedGen C0027672, MeSH D009386, MONDO:0015356.
EGFR-related lung cancer (EGFR). Identifiers: MedGen CN130014.

Allele frequency attached by ClinVar (database versions not stated): TOPMed 0.00001.

Submissions (2):

Ambry Genetics
Classification: Uncertain significance for Hereditary cancer-predisposing syndrome. Last evaluated: 2026-02-16. Review status: criteria provided, single submitter. Criteria: Ambry Variant Classification Scheme 2023. Collection method: clinical testing. Allele origin: germline.
Comment: The p.H584Q variant (also known as c.1752C>G), located in coding exon 15 of the EGFR gene, results from a C to G substitution at nucleotide position 1752. The histidine at codon 584 is replaced by glutamine, an amino acid with highly similar properties. This amino acid position is conserved. In addition, this alteration is predicted to be tolerated by in silico analysis. Based on the available evidence, the clinical significance of this variant remains unclear.

Labcorp Genetics (formerly Invitae), Labcorp
Classification: Uncertain significance for EGFR-related lung cancer. Last evaluated: 2023-09-22. Review status: criteria provided, single submitter. Criteria: Invitae Variant Classification Sherloc (09022015). Collection method: clinical testing. Allele origin: germline.
Comment: This sequence change replaces histidine, which is basic and polar, with glutamine, which is neutral and polar, at codon 584 of the EGFR protein (p.His584Gln). In summary, the available evidence is currently insufficient to determine the role of this variant in disease. Therefore, it has been classified as a Variant of Uncertain Significance. Advanced modeling of protein sequence and biophysical properties (such as structural, functional, and spatial information, amino acid conservation, physicochemical variation, residue mobility, and thermodynamic stability) performed at Invitae indicates that this missense variant is not expected to disrupt EGFR protein function. ClinVar contains an entry for this variant (Variation ID: 1491234). This variant has not been reported in the literature in individuals affected with EGFR-related conditions. This variant is not present in population databases (gnomAD no frequency).

NM_005228.5(EGFR):c.1752C>G (p.His584Gln)

Gene: EGFR (epidermal growth factor receptor; plus strand). Cytogenetic location: 7p11.2.
Variant type: single nucleotide variant.
Coding change: c.1752C>G on transcript NM_005228.5 (MANE Select); coding-DNA position 1752, C replaced by G.
Protein change: p.His584Gln; replaces histidine 584 with glutamine.
Molecular consequence: missense variant.
Genome position (GRCh38, 1-based): chr7:55,165,309, C>G. VCF-style: chr7-55165309-C-G. GRCh37 (hg19) VCF-style: chr7-55233002-C-G.
Other names: c.1617C>G, p.His539Gln (NM_001346897.2, NM_001346899.2); c.1752C>G, p.His584Gln (NM_001346898.2, NM_201282.2, NM_201284.2); c.1593C>G, p.His531Gln (NM_001346900.2); c.951C>G, p.His317Gln (NM_001346941.2); c.1752C>G (NM_005228.3); short protein forms H531Q, H539Q, H584Q, H317Q.
Identifiers: ClinVar variation 1491234 (VCV001491234.7), dbSNP rs956386356, ClinGen allele CA158925010.
Genomic context (GRCh38, chr7:55,165,309, plus strand): 5'-TGCATGAACATTTTTCTCCACCTTGGTGCAGGGACCAGACAACTGTATCCAGTGTGCCCA[C>G]TACATTGACGGCCCCCACTGCGTCAAGACCTGCCCGGCAGGAGTCATGGGAGAAAACAAC-3'
Protein context (NP_005219.2, residues 574-594): RGPDNCIQCA[His584Gln]YIDGPHCVKT